The following is an entry in ClinVar:

ClinVar aggregate classification (germline): Uncertain significance. Review status: criteria provided, multiple submitters, no conflicts (2 of 4 stars). 2 submissions from 2 submitters: Uncertain significance (2). Last evaluated 2025-08-31.

Allele frequency attached by ClinVar (database versions not stated): 1000 Genomes Project 30x 0.00016; 1000 Genomes Project 0.00020; gnomAD 0.00001 and 0.00003; TOPMed 0.00002.

Submissions (2):

Ambry Genetics
Classification: Uncertain significance. Last evaluated: 2025-08-31. Review status: criteria provided, single submitter. Criteria: Ambry Variant Classification Scheme 2023. Collection method: clinical testing. Allele origin: germline.

Labcorp Genetics (formerly Invitae), Labcorp
Classification: Uncertain significance. Last evaluated: 2021-09-24. Review status: criteria provided, single submitter. Criteria: Invitae Variant Classification Sherloc (09022015). Collection method: clinical testing. Allele origin: germline.
Comment: This sequence change replaces arginine with cysteine at codon 113 of the HMOX1 protein (p.Arg113Cys). The arginine residue is weakly conserved and there is a large physicochemical difference between arginine and cysteine. This variant is present in population databases (rs572321710, ExAC 0.09%). This variant has not been reported in the literature in individuals with HMOX1-related conditions. Algorithms developed to predict the effect of missense changes on protein structure and function are either unavailable or do not agree on the potential impact of this missense change (SIFT: "Deleterious"; PolyPhen-2: "Benign"; Align-GVGD: "Class C15"). In summary, the available evidence is currently insufficient to determine the role of this variant in disease. Therefore, it has been classified as a Variant of Uncertain Significance.

NM_002133.3(HMOX1):c.337C>T (p.Arg113Cys)

Gene: HMOX1 (heme oxygenase 1; plus strand). Cytogenetic location: 22q12.3.
Variant type: single nucleotide variant.
Coding change: c.337C>T on transcript NM_002133.3 (MANE Select); coding-DNA position 337, C replaced by T.
Protein change: p.Arg113Cys; replaces arginine 113 with cysteine.
Molecular consequence: missense variant.
Genome position (GRCh38, 1-based): chr22:35,386,877, C>T. VCF-style: chr22-35386877-C-T. GRCh37 (hg19) VCF-style: chr22-35782870-C-T.
Other names: c.337C>T (NM_002133.2); short protein forms R113C.
Identifiers: ClinVar variation 1433185 (VCV001433185.7), dbSNP rs572321710, ClinGen allele CA10204697.
Genomic context (GRCh38, chr22:35,386,877, plus strand): 5'-CTGGCCTTCTGGTACGGGCCCCGCTGGCAGGAGGTCATCCCCTACACACCAGCCATGCAG[C>T]GCTATGTGAAGCGGCTCCACGAGGTGGGGCGCACAGAGCCCGAGCTGCTGGTGGCCCACG-3'
Protein context (NP_002124.1, residues 103-123): EVIPYTPAMQ[Arg113Cys]YVKRLHEVGR